The following is an entry in ClinVar:

NM_182961.4(SYNE1):c.7029+3A>G

Gene: SYNE1 (spectrin repeat containing nuclear envelope protein 1; minus strand). Cytogenetic location: 6q25.2.
Variant type: single nucleotide variant.
Coding change: c.7029+3A>G on transcript NM_182961.4 (MANE Select); 3 bases into the intron after coding-DNA position 7029, A replaced by G.
Molecular consequence: intron variant.
Genome position (GRCh38, 1-based): chr6:152,401,135, T>C on the plus strand (A>G on the coding strand, the complement: SYNE1 is on the minus strand). VCF-style: chr6-152401135-T-C. GRCh37 (hg19) VCF-style: chr6-152722270-T-C.
Other names: c.7050+3A>G (NM_033071.5).
Identifiers: ClinVar variation 3571984 (VCV003571984.1).

ClinVar aggregate classification (germline): Uncertain significance (1 of 4 stars; one submission).

gnomAD v4.1: 4 of 1,613,836 alleles (0.00025%); highest among the groups gnomAD compares: Non-Finnish European, 0.00034%; no homozygotes.

Submission:

Athena Diagnostics
Classification: Uncertain significance. Last evaluated: 2023-12-06. Review status: criteria provided, single submitter. Criteria: Athena Diagnostics Criteria. Collection method: clinical testing. Allele origin: unknown.
Comment: Available data are insufficient to determine the clinical significance of the variant at this time. This variant has not been reported in large, multi-ethnic general populations. Computational tools yielded inconclusive predictions regarding the effect of this variant on RNA splicing.